The following is an entry in ClinVar:

NM_005560.6(LAMA5):c.10703C>T (p.Pro3568Leu)

Gene: LAMA5 (laminin subunit alpha 5; minus strand). Cytogenetic location: 20q13.33.
Variant type: single nucleotide variant.
Coding change: c.10703C>T on transcript NM_005560.6 (MANE Select); coding-DNA position 10703, C replaced by T.
Protein change: p.Pro3568Leu; replaces proline 3568 with leucine.
Molecular consequence: missense variant.
Genome position (GRCh38, 1-based): chr20:62,310,209, G>A on the plus strand (C>T on the coding strand, the complement: LAMA5 is on the minus strand). VCF-style: chr20-62310209-G-A. GRCh37 (hg19) VCF-style: chr20-60885265-G-A.
Other names: short protein forms P3568L.
Identifiers: ClinVar variation 5018539 (VCV005018539.2).

ClinVar aggregate classification (germline): Uncertain significance (1 of 4 stars; one submission).

Conditions:
Nephrotic syndrome, IIa 26. Also called: Nephrotic syndrome, type 26. Identifiers: MedGen C5774221, MONDO:0031061, OMIM 620049.
Bent bone dysplasia syndrome 2 (BBDS2). Identifiers: MedGen C5774233, MONDO:0859573, OMIM 620076.

gnomAD v4.1: 1 of 1,612,590 alleles (0.000062%); highest among the groups gnomAD compares: Non-Finnish European, 0.000085%; no homozygotes.

Submission:

Juno Genomics, Hangzhou Juno Genomics, Inc
Classification: Uncertain significance for Bent bone dysplasia syndrome 2; Nephrotic syndrome, IIa 26. Review status: criteria provided, single submitter. Criteria: ACMG Guidelines, 2015. Collection method: clinical testing. Allele origin: germline.
Comment: Absent from controls (or at extremely low frequency if recessive) in Genome Aggregation Database.